The following is an entry in ClinVar:

ClinVar aggregate classification (germline): Uncertain significance (1 of 4 stars; one submission).

Conditions:
Hereditary cancer-predisposing syndrome. Also called: Hereditary Cancer Syndrome; Hereditary neoplastic syndrome; Neoplastic Syndromes, Hereditary; Tumor predisposition. Identifiers: Orphanet 140162, MedGen C0027672, MeSH D009386, MONDO:0015356.

Submission:

Ambry Genetics
Classification: Uncertain significance for Hereditary cancer-predisposing syndrome. Last evaluated: 2021-04-27. Review status: criteria provided, single submitter. Criteria: Ambry Variant Classification Scheme 2023. Collection method: clinical testing. Allele origin: germline.
Comment: The c.4752C>T variant (also known as p.V1584V) is located in coding exon 33 of the SMARCA4 gene. This variant results from a C to T substitution at nucleotide position 4752. This nucleotide substitution does not change the valine at codon 1584. This nucleotide position is poorly conserved in available vertebrate species. In silico splice site analysis for this alteration is inconclusive. Since supporting evidence is limited at this time, the clinical significance of this alteration remains unclear.

NM_003072.5(SMARCA4):c.4656C>T (p.Val1552=)

Gene: SMARCA4 (SWI/SNF related BAF chromatin remodeling complex subunit ATPase 4; plus strand). Cytogenetic location: 19p13.2.
Variant type: single nucleotide variant.
Coding change: c.4656C>T on transcript NM_003072.5 (MANE Select); coding-DNA position 4656, C replaced by T.
Protein change: p.Val1552=; no amino-acid change (valine 1552 retained).
Molecular consequence: synonymous variant. On other transcripts: non-coding transcript variant (1).
Genome position (GRCh38, 1-based): chr19:11,059,773, C>T. VCF-style: chr19-11059773-C-T. GRCh37 (hg19) VCF-style: chr19-11170449-C-T.
Other names: c.4656C>T, p.Val1552= (NM_001128844.3); c.4566C>T, p.Val1522= (NM_001128845.2); c.4563C>T, p.Val1521= (NM_001128846.2); c.4557C>T, p.Val1519= (NM_001128847.4, NM_001374457.1); c.4554C>T, p.Val1518= (NM_001128848.2); c.4752C>T, p.Val1584= (NM_001128849.3, NM_001387283.1); c.4653C>T, p.Val1551= (NM_001411150.1).
Identifiers: ClinVar variation 1742852 (VCV001742852.2), dbSNP rs2147113314, ClinGen allele CA505495091.